The following is an entry in ClinVar:

NM_001148.6(ANK2):c.11695-5T>C

Gene: ANK2 (ankyrin 2; plus strand). Cytogenetic location: 4q26.
Variant type: single nucleotide variant.
Coding change: c.11695-5T>C on transcript NM_001148.6 (MANE Select); 5 bases into the intron before coding-DNA position 11695, T replaced by C.
Molecular consequence: intron variant.
Genome position (GRCh38, 1-based): chr4:113,373,280, T>C. VCF-style: chr4-113373280-T-C. GRCh37 (hg19) VCF-style: chr4-114294436-T-C.
Other names: c.5425-5T>C (NM_001386186.2, NM_001386148.2); c.5227-5T>C (NM_001354269.3); c.5305-5T>C (NM_001386187.2); c.5266-5T>C (NM_001386147.1); c.5284-5T>C (NM_001386160.1); c.5389-5T>C (NM_001354254.2); c.5503-5T>C (NM_001354239.2); c.5410-5T>C (NM_001354252.2); and 50 more.
Identifiers: ClinVar variation 4976576 (VCV004976576.1).

ClinVar aggregate classification (germline): Uncertain significance (1 of 4 stars; one submission).

Submission:

GeneDx
Classification: Uncertain significance. Last evaluated: 2026-02-10. Review status: criteria provided, single submitter. Criteria: GeneDx Variant Classification Process June 2021. Collection method: clinical testing. Allele origin: germline.
Comment: Not observed at significant frequency in large population cohorts (gnomAD); In silico analysis supports a deleterious effect on splicing; Has not been previously published as pathogenic or benign to our knowledge